The following is an entry in ClinVar:

ClinVar aggregate classification (germline): Uncertain significance. Review status: criteria provided, multiple submitters, no conflicts (2 of 4 stars). 3 submissions from 3 submitters: Uncertain significance (3). Last evaluated 2026-06-17.

Conditions:
Inborn genetic diseases. Identifiers: MedGen C0950123, MeSH D030342.
Landau-Kleffner syndrome (FESD). Also called: EPILEPSY, FOCAL, WITH SPEECH DISORDER AND WITH OR WITHOUT MENTAL RETARDATION; APHASIA, ACQUIRED, WITH EPILEPSY. Identifiers: Orphanet 1945, Orphanet 725, Orphanet 98818, MedGen C0282512, MONDO:0009509, OMIM 245570.

Allele frequency attached by ClinVar (database versions not stated): TOPMed below 0.00001; gnomAD 0.00001.
gnomAD v4.1: 1 of 1,614,022 alleles (0.000062%); highest among the groups gnomAD compares: African/African-American, 0.0013%; no homozygotes.

Submissions (3):

Ambry Genetics
Classification: Uncertain significance for Inborn genetic diseases. Last evaluated: 2026-06-17. Review status: criteria provided, single submitter. Criteria: Ambry Variant Classification Scheme 2023. Collection method: clinical testing. Allele origin: germline.

GeneDx
Classification: Uncertain significance. Last evaluated: 2024-04-15. Review status: criteria provided, single submitter. Criteria: GeneDx Variant Classification Process June 2021. Collection method: clinical testing. Allele origin: germline. Affected: yes.
Comment: Not observed at significant frequency in large population cohorts (gnomAD); In silico analysis indicates that this missense variant does not alter protein structure/function; Has not been previously published as pathogenic or benign to our knowledge

Labcorp Genetics (formerly Invitae), Labcorp
Classification: Uncertain significance for Landau-Kleffner syndrome. Last evaluated: 2023-04-09. Review status: criteria provided, single submitter. Criteria: Invitae Variant Classification Sherloc (09022015). Collection method: clinical testing. Allele origin: germline.
Comment: Advanced modeling of protein sequence and biophysical properties (such as structural, functional, and spatial information, amino acid conservation, physicochemical variation, residue mobility, and thermodynamic stability) performed at Invitae indicates that this missense variant is not expected to disrupt GRIN2A protein function. In summary, the available evidence is currently insufficient to determine the role of this variant in disease. Therefore, it has been classified as a Variant of Uncertain Significance. This variant has not been reported in the literature in individuals affected with GRIN2A-related conditions. This sequence change replaces valine, which is neutral and non-polar, with methionine, which is neutral and non-polar, at codon 67 of the GRIN2A protein (p.Val67Met). This variant is not present in population databases (gnomAD no frequency).

NM_001134407.3(GRIN2A):c.199G>A (p.Val67Met)

Gene: GRIN2A (glutamate ionotropic receptor NMDA type subunit 2A; minus strand). Cytogenetic location: 16p13.2.
Variant type: single nucleotide variant.
Coding change: c.199G>A on transcript NM_001134407.3 (MANE Select); coding-DNA position 199, G replaced by A.
Protein change: p.Val67Met; replaces valine 67 with methionine.
Molecular consequence: missense variant.
Genome position (GRCh38, 1-based): chr16:10,180,213, C>T on the plus strand (G>A on the coding strand, the complement: GRIN2A is on the minus strand). VCF-style: chr16-10180213-C-T. GRCh37 (hg19) VCF-style: chr16-10274070-C-T.
Other names: c.199G>A (NM_000833.3); c.199G>A, p.Val67Met (NM_000833.5, NM_001134408.2); short protein forms V67M.
Identifiers: ClinVar variation 2807907 (VCV002807907.5), dbSNP rs2050234959, ClinGen allele CA394715531.
Genomic context (GRCh38, chr16:10,180,213, plus strand): 5'-ACACGTGCGTGATGAGGCTCTTGGGGTCGGTGCGGTTCATCAGCAGAGCTACCACGTTCA[C>T]GTCCAGGGGCAGCCCCGCCGCCTGCTCGGGGCCCCACAGTGTTCGAAGTTCGCGCTCTGT-3'
Protein context (NP_001127879.1, residues 57-77): PEQAAGLPLD[Val67Met]NVVALLMNRT